The following is an entry in ClinVar:

NM_000548.5(TSC2):c.5352C>G (p.Pro1784=)

Gene: TSC2 (TSC complex subunit 2; plus strand). Cytogenetic location: 16p13.3.
Variant type: single nucleotide variant.
Coding change: c.5352C>G on transcript NM_000548.5 (MANE Select); coding-DNA position 5352, C replaced by G.
Protein change: p.Pro1784=; no amino-acid change (proline 1784 retained).
Molecular consequence: synonymous variant.
Genome position (GRCh38, 1-based): chr16:2,088,538, C>G. VCF-style: chr16-2088538-C-G. GRCh37 (hg19) VCF-style: chr16-2138539-C-G.
Other names: c.5151C>G, p.Pro1717= (NM_001077183.3); c.5283C>G, p.Pro1761= (NM_001114382.3); c.5043C>G, p.Pro1681= (NM_001318827.2); c.5007C>G, p.Pro1669= (NM_001318829.2); c.4620C>G, p.Pro1540= (NM_001318831.2); c.5184C>G, p.Pro1728= (NM_001318832.2); c.5154C>G, p.Pro1718= (NM_001363528.2); c.5220C>G, p.Pro1740= (NM_001370404.1); and 2 more.
Identifiers: ClinVar variation 1102813 (VCV001102813.13), dbSNP rs1367848310, ClinGen allele CA493043724.

ClinVar aggregate classification (germline): Benign/Likely benign. Review status: criteria provided, multiple submitters, no conflicts (2 of 4 stars). 4 submissions from 4 submitters: Benign (1); Likely benign (3). Last evaluated 2025-07-31.

Conditions:
Hereditary cancer-predisposing syndrome. Also called: Neoplastic Syndromes, Hereditary; Hereditary neoplastic syndrome; Hereditary Cancer Syndrome; Tumor predisposition. Identifiers: Orphanet 140162, MedGen C0027672, MeSH D009386, MONDO:0015356.
Tuberous sclerosis 2 (TSC2). Identifiers: Orphanet 805, MedGen C1860707, MONDO:0013199, OMIM 613254.

Allele frequency attached by ClinVar (database versions not stated): gnomAD exomes 0.00001.
gnomAD v4.1: 12 of 1,612,116 alleles (0.00074%); highest among the groups gnomAD compares: Non-Finnish European, 0.001%; no homozygotes.

Submissions (4):

Labcorp Genetics (formerly Invitae), Labcorp
Classification: Likely benign for Tuberous sclerosis 2. Last evaluated: 2025-07-31. Review status: criteria provided, single submitter. Criteria: Invitae Variant Classification Sherloc (09022015). Collection method: clinical testing. Allele origin: germline.

Myriad Genetics, Inc.
Classification: Benign for Tuberous sclerosis 2. Last evaluated: 2025-06-09. Review status: criteria provided, single submitter. Criteria: Myriad Autosomal Dominant, Autosomal Recessive and X-Linked Classification Criteria (2023). Collection method: clinical testing. Allele origin: unknown.
Comment: This variant is considered benign. This variant is a silent/synonymous amino acid change and it is not expected to impact splicing.

Ambry Genetics
Classification: Likely benign for Hereditary cancer-predisposing syndrome. Last evaluated: 2022-08-13. Review status: criteria provided, single submitter. Criteria: Ambry Variant Classification Scheme 2023. Collection method: clinical testing. Allele origin: germline.

Sema4
Classification: Likely benign for Hereditary cancer-predisposing syndrome. Last evaluated: 2021-10-17. Review status: criteria provided, single submitter. Criteria: Sema4 Curation Guidelines. Collection method: curation. Allele origin: germline.